The following is an entry in ClinVar:

NM_015512.5(DNAH1):c.2517G>C (p.Glu839Asp)

Gene: DNAH1 (dynein axonemal heavy chain 1; plus strand). Cytogenetic location: 3p21.1.
Variant type: single nucleotide variant.
Coding change: c.2517G>C on transcript NM_015512.5 (MANE Select); coding-DNA position 2517, G replaced by C.
Protein change: p.Glu839Asp; replaces glutamic acid 839 with aspartic acid.
Molecular consequence: missense variant.
Genome position (GRCh38, 1-based): chr3:52,349,411, G>C. VCF-style: chr3-52349411-G-C. GRCh37 (hg19) VCF-style: chr3-52383427-G-C.
Other names: short protein forms E839D.
Identifiers: ClinVar variation 2109218 (VCV002109218.4), dbSNP rs911145118, ClinGen allele CA353103083.
Genomic context (GRCh38, chr3:52,349,411, plus strand): 5'-GAAACGCAAGGCCCTGGCCACTTCCGTGCTGGACATCCTTGCCAAGAACCTGCATAAGGA[G>C]GTGGATAGCGTAAGTGCCCACCTGCCCCGCCTCAGTGACCACAGCAGCACACACCACAGC-3'
Protein context (NP_056327.4, residues 829-849): LDILAKNLHK[Glu839Asp]VDSICEEFRS

ClinVar aggregate classification (germline): Uncertain significance (1 of 4 stars; one submission).

Conditions:
Spermatogenic failure 18. Identifiers: MedGen C4539783, MONDO:0054615, OMIM 617576.
Ciliary dyskinesia, primary, 37 (CILD37). Also called: CILIARY DYSKINESIA, PRIMARY, 37, WITH OR WITHOUT SITUS INVERSUS. Identifiers: MedGen C4539798, MONDO:0033204, OMIM 617577.

Submission:

Labcorp Genetics (formerly Invitae), Labcorp
Classification: Uncertain significance for Ciliary dyskinesia, primary, 37; Spermatogenic failure 18. Last evaluated: 2022-03-11. Review status: criteria provided, single submitter. Criteria: Invitae Variant Classification Sherloc (09022015). Collection method: clinical testing. Allele origin: germline.
Comment: This sequence change replaces glutamic acid, which is acidic and polar, with aspartic acid, which is acidic and polar, at codon 839 of the DNAH1 protein (p.Glu839Asp). This variant is not present in population databases (gnomAD no frequency). This variant has not been reported in the literature in individuals affected with DNAH1-related conditions. Algorithms developed to predict the effect of missense changes on protein structure and function (SIFT, PolyPhen-2, Align-GVGD) all suggest that this variant is likely to be tolerated. In summary, the available evidence is currently insufficient to determine the role of this variant in disease. Therefore, it has been classified as a Variant of Uncertain Significance.